The following is an entry in ClinVar:

ClinVar aggregate classification (germline): Likely benign. Review status: criteria provided, multiple submitters, no conflicts (2 of 4 stars). 4 submissions from 4 submitters: Likely benign (4). Last evaluated 2024-08-28.

Conditions:
Arrhythmogenic right ventricular cardiomyopathy (ARVD). Also called: Arrhythmogenic cardiomyopathy; Cardiomyopathy, ARVC; Arrhythmogenic right ventricular dysplasia; Arrhythmogenic Right Ventricular Cardiomyopathy (ARVC). Identifiers: Orphanet 247, MedGen C0349788, MeSH D019571, MONDO:0016587. Disease mechanism: loss of function. Inheritance: Various modes of inheritance.
Cardiomyopathy (CMYO). Also called: Cardiomyopathies. Identifiers: Orphanet 167848, MedGen C0878544, MONDO:0004994, HP:0001638. Inheritance: Various modes of inheritance.
Cardiovascular phenotype. Identifiers: MedGen CN230736.
Arrhythmogenic right ventricular dysplasia 9 (ARVD9). Also called: Arrhythmogenic Right Ventricular Dysplasia/Cardiomyopathy 9; ARRHYTHMOGENIC RIGHT VENTRICULAR DYSPLASIA, FAMILIAL, 9. Identifiers: MedGen C1836906, MONDO:0012180, OMIM 609040.

Allele frequency attached by ClinVar (database versions not stated): gnomAD exomes below 0.00001; TOPMed below 0.00001; ExAC 0.00001; gnomAD 0.00001; 1000 Genomes Project 30x 0.00016.
gnomAD v4.1: 9 of 1,614,028 alleles (0.00056%); highest among the groups gnomAD compares: African/African-American, 0.0013%; no homozygotes.

Submissions (4):

Labcorp Genetics (formerly Invitae), Labcorp
Classification: Likely benign for Arrhythmogenic right ventricular dysplasia 9. Last evaluated: 2024-08-28. Review status: criteria provided, single submitter. Criteria: Invitae Variant Classification Sherloc (09022015). Collection method: clinical testing. Allele origin: germline.

All of Us Research Program, National Institutes of Health
Classification: Likely benign for Arrhythmogenic right ventricular cardiomyopathy. Last evaluated: 2023-11-30. Review status: criteria provided, single submitter. Criteria: ACMG Guidelines, 2015. Collection method: clinical testing. Allele origin: germline. Inheritance: Autosomal dominant inheritance. Observed: 1 variant allele, 1 heterozygote.
Comment: This study involves interpretation of variants in research participants for the purpose of population health screening. Participant phenotype was not available at the time of variant classification. Additional details can be found in publication PMID: 35346344, PMCID: PMC8962531

Ambry Genetics
Classification: Likely benign for Cardiovascular phenotype. Last evaluated: 2020-10-06. Review status: criteria provided, single submitter. Criteria: Ambry Variant Classification Scheme 2023. Collection method: clinical testing. Allele origin: germline.

Color Diagnostics, LLC DBA Color Health
Classification: Likely benign for Cardiomyopathy. Last evaluated: 2019-07-26. Review status: criteria provided, single submitter. Criteria: ACMG Guidelines, 2015. Collection method: clinical testing. Allele origin: germline.

NM_001005242.3(PKP2):c.2391C>T (p.Ser797=)

Gene: PKP2 (plakophilin 2; minus strand). Cytogenetic location: 12p11.21.
Variant type: single nucleotide variant.
Coding change: c.2391C>T on transcript NM_001005242.3 (MANE Select); coding-DNA position 2391, C replaced by T.
Protein change: p.Ser797=; no amino-acid change (serine 797 retained).
Molecular consequence: synonymous variant.
Genome position (GRCh38, 1-based): chr12:32,792,698, G>A on the plus strand (C>T on the coding strand, the complement: PKP2 is on the minus strand). VCF-style: chr12-32792698-G-A. GRCh37 (hg19) VCF-style: chr12-32945632-G-A.
Other names: c.2523C>T, p.Ser841= (NM_004572.4).
Identifiers: ClinVar variation 927566 (VCV000927566.14), dbSNP rs772225819, ClinGen allele CA035738.